The following is an entry in ClinVar:

ClinVar aggregate classification (germline): Likely benign (1 of 4 stars; one submission).

Allele frequency attached by ClinVar (database versions not stated): ExAC 0.00044; 1000 Genomes Project 30x 0.00078; 1000 Genomes Project 0.00080; ESP Exome Variant Server 0.00092; gnomAD 0.00120; TOPMed 0.00153.
gnomAD v4.1: 351 of 1,614,164 alleles (0.022%); highest among the groups gnomAD compares: African/African-American, 0.4%; no homozygotes.

Submission:

CeGaT Center for Human Genetics Tuebingen
Classification: Likely benign. Last evaluated: 2023-11-01. Review status: criteria provided, single submitter. Criteria: CeGaT Center For Human Genetics Tuebingen Variant Classification Criteria Version 2. Collection method: clinical testing. Allele origin: germline. Affected: yes. Observed: 1 variant allele.
Comment: YY1AP1: BP4, BP7

NM_139119.3(YY1AP1):c.1755C>T (p.Pro585=)

Gene: YY1AP1 (YY1 associated protein 1; minus strand). Cytogenetic location: 1q22.
Variant type: single nucleotide variant.
Coding change: c.1755C>T on transcript NM_139119.3 (MANE Select); coding-DNA position 1755, C replaced by T.
Protein change: p.Pro585=; no amino-acid change (proline 585 retained).
Molecular consequence: synonymous variant. On other transcripts: 3 prime UTR variant (1).
Genome position (GRCh38, 1-based): chr1:155,660,155, G>A on the plus strand (C>T on the coding strand, the complement: YY1AP1 is on the minus strand). VCF-style: chr1-155660155-G-A. GRCh37 (hg19) VCF-style: chr1-155629946-G-A.
Other names: c.1722C>T, p.Pro574= (NM_001198899.2, NM_001198900.2, NM_018253.4); c.1755C>T, p.Pro585= (NM_001198901.2, NM_001198902.2); c.2169C>T, p.Pro723= (NM_001198903.1); c.2109C>T, p.Pro703= (NM_001198904.1); c.1695C>T, p.Pro565= (NM_001198905.2); c.*698C>T (NM_001198906.2); c.1893C>T, p.Pro631= (NM_139118.3); c.1557C>T, p.Pro519= (NM_139121.3).
Identifiers: ClinVar variation 2672360 (VCV002672360.23), dbSNP rs145401844, ClinGen allele CA1148431.